The following is an entry in ClinVar:

ClinVar aggregate classification (germline): Benign (0 of 4 stars; one submission).

Conditions:
SARDH-related disorder. Also called: SARDH-related condition.

Allele frequency attached by ClinVar (database versions not stated): ESP Exome Variant Server 0.32079; ExAC 0.34945; gnomAD 0.35659; TOPMed 0.36128; 1000 Genomes Project 30x 0.36899; gnomAD exomes 0.36950; 1000 Genomes Project 0.37061.
gnomAD v4.1: 570,807 of 1,549,820 alleles (37%); highest among the groups gnomAD compares: Admixed American, 44%; 106,118 homozygotes.

Submission:

PreventionGenetics, part of Exact Sciences
Classification: Benign for SARDH-related condition. Last evaluated: 2019-10-18. Review status: no assertion criteria provided. Collection method: clinical testing. Allele origin: germline.
Comment: This variant is classified as benign based on ACMG/AMP sequence variant interpretation guidelines (Richards et al. 2015 PMID: 25741868, with internal and published modifications).

NM_001134707.2(SARDH):c.1841G>A (p.Arg614His)

Gene: SARDH (sarcosine dehydrogenase; minus strand). Cytogenetic location: 9q34.2.
Variant type: single nucleotide variant.
Coding change: c.1841G>A on transcript NM_001134707.2 (MANE Select); coding-DNA position 1841, G replaced by A.
Protein change: p.Arg614His; replaces arginine 614 with histidine.
Molecular consequence: missense variant.
Genome position (GRCh38, 1-based): chr9:133,694,338, C>T on the plus strand (G>A on the coding strand, the complement: SARDH is on the minus strand). VCF-style: chr9-133694338-C-T. GRCh37 (hg19) VCF-style: chr9-136559460-C-T.
Other names: c.1841G>A, p.Arg614His (NM_007101.4); short protein forms R614H.
Identifiers: ClinVar variation 3059588 (VCV003059588.2), dbSNP rs2073817, ClinGen allele CA5314138.
Genomic context (GRCh38, chr9:133,694,338, plus strand): 5'-GGGGAGGCCTGGTGGCTGGGTGCCAGGCGGCTGACAGTCAGGTCACTCTCGGTGCCCCCA[C>T]GGTGGTTGAGCATGCACGTGTACACGGTGGAGCCTGCGAGAGGGAGAAGGAAGCCGGGTC-3'
Protein context (NP_001128179.1, residues 604-624): STVYTCMLNH[Arg614His]GGTESDLTVS